The following is an entry in ClinVar:

NM_003718.5(CDK13):c.748A>G (p.Ser250Gly)

Gene: CDK13 (cyclin dependent kinase 13; plus strand). Cytogenetic location: 7p14.1.
Variant type: single nucleotide variant.
Coding change: c.748A>G on transcript NM_003718.5 (MANE Select); coding-DNA position 748, A replaced by G.
Protein change: p.Ser250Gly; replaces serine 250 with glycine.
Molecular consequence: missense variant.
Genome position (GRCh38, 1-based): chr7:39,951,389, A>G. VCF-style: chr7-39951389-A-G. GRCh37 (hg19) VCF-style: chr7-39990988-A-G.
Other names: c.748A>G, p.Ser250Gly (NM_031267.4); short protein forms S250G.
Identifiers: ClinVar variation 2704409 (VCV002704409.4), dbSNP rs543202207, ClinGen allele CA4228329.

ClinVar aggregate classification (germline): Conflicting classifications of pathogenicity. Review status: criteria provided, conflicting classifications (1 of 4 stars). 2 submissions from 2 submitters: Uncertain significance (1); Likely benign (1). Last evaluated 2025-09-09.

Conditions:
Inborn genetic diseases. Identifiers: MedGen C0950123, MeSH D030342.

Allele frequency attached by ClinVar (database versions not stated): TOPMed 0.00001; gnomAD 0.00002; gnomAD exomes 0.00002; ExAC 0.00015; 1000 Genomes Project 30x 0.00016; 1000 Genomes Project 0.00020.
gnomAD v4.1: 34 of 1,498,656 alleles (0.0023%); highest among the groups gnomAD compares: South Asian, 0.0088%; no homozygotes.

Submissions (2):

Ambry Genetics
Classification: Likely benign for Inborn genetic diseases. Last evaluated: 2025-09-09. Review status: criteria provided, single submitter. Criteria: Ambry Variant Classification Scheme 2023. Collection method: clinical testing. Allele origin: germline.

Labcorp Genetics (formerly Invitae), Labcorp
Classification: Uncertain significance. Last evaluated: 2024-11-21. Review status: criteria provided, single submitter. Criteria: Invitae Variant Classification Sherloc (09022015). Collection method: clinical testing. Allele origin: germline.
Comment: This sequence change replaces serine, which is neutral and polar, with glycine, which is neutral and non-polar, at codon 250 of the CDK13 protein (p.Ser250Gly). The frequency data for this variant in the population databases is considered unreliable, as metrics indicate poor data quality at this position in the gnomAD database. This variant has not been reported in the literature in individuals affected with CDK13-related conditions. ClinVar contains an entry for this variant (Variation ID: 2704409). Invitae Evidence Modeling of protein sequence and biophysical properties (such as structural, functional, and spatial information, amino acid conservation, physicochemical variation, residue mobility, and thermodynamic stability) indicates that this missense variant is not expected to disrupt CDK13 protein function with a negative predictive value of 95%. In summary, the available evidence is currently insufficient to determine the role of this variant in disease. Therefore, it has been classified as a Variant of Uncertain Significance.